The following is an entry in ClinVar:

ClinVar aggregate classification (germline): Uncertain significance. Review status: criteria provided, multiple submitters, no conflicts (2 of 4 stars). 4 submissions from 4 submitters: Uncertain significance (4). Last evaluated 2026-07-06.

Conditions:
Hereditary cancer-predisposing syndrome. Also called: Hereditary Cancer Syndrome; Tumor predisposition; Neoplastic Syndromes, Hereditary; Hereditary neoplastic syndrome. Identifiers: Orphanet 140162, MedGen C0027672, MeSH D009386, MONDO:0015356.
Piebaldism. Also called: Piebald skin depigmentation. Identifiers: Orphanet 2884, MedGen C0080024, MONDO:0008244, OMIM 172800, HP:0007544.
Gastrointestinal stromal tumor. Also called: Gastrointestinal stromal tumor, somatic; Gastrointestinal stroma tumor. Identifiers: Orphanet 44890, MedGen C0238198, MeSH D046152, MONDO:0011719, OMIM 606764, HP:0100723.
Acute myeloid leukemia (AML). Also called: Leukemia, acute myeloid, somatic; Leukemia, acute myelogenous, somatic; Acute myeloid leukemia, adult; AML adult; Acute non-lymphocytic leukemia; Acute granulocytic leukemia. Identifiers: Orphanet 519, MedGen C0023467, MeSH D015470, MONDO:0018874, OMIM 601626, HP:0004808. Disease mechanism: Constitutively activated FLT3.
Malignant tumor of testis. Also called: Testicular cancer. Identifiers: MedGen C0153594, MONDO:0005447.
Mastocytosis. Also called: Mast Cell Disease. Identifiers: Orphanet 98292, MedGen C0024899, MONDO:0007950, HP:0100495.

Allele frequency attached by ClinVar (database versions not stated): gnomAD exomes below 0.00001.
gnomAD v4.1: 2 of 1,613,560 alleles (0.00012%); highest among the groups gnomAD compares: Admixed American, 0.0017%; no homozygotes.

Submissions (4):

Ambry Genetics
Classification: Uncertain significance for Hereditary cancer-predisposing syndrome. Last evaluated: 2026-07-06. Review status: criteria provided, single submitter. Criteria: Ambry Variant Classification Scheme 2023. Collection method: clinical testing. Allele origin: germline.
Comment: The p.D765G variant (also known as c.2294A>G), located in coding exon 16 of the KIT gene, results from an A to G substitution at nucleotide position 2294. The aspartic acid at codon 765 is replaced by glycine, an amino acid with similar properties. This amino acid position is conserved. In addition, this alteration is predicted to be deleterious by in silico analysis. Based on the available evidence, the clinical significance of this variant remains unclear.

Labcorp Genetics (formerly Invitae), Labcorp
Classification: Uncertain significance for Gastrointestinal stromal tumor. Last evaluated: 2025-09-02. Review status: criteria provided, single submitter. Criteria: Invitae Variant Classification Sherloc (09022015). Collection method: clinical testing. Allele origin: germline.
Comment: This sequence change replaces aspartic acid, which is acidic and polar, with glycine, which is neutral and non-polar, at codon 765 of the KIT protein (p.Asp765Gly). This variant is present in population databases (no rsID available, gnomAD 0.003%). This variant has not been reported in the literature in individuals affected with KIT-related conditions. ClinVar contains an entry for this variant (Variation ID: 409730). An algorithm developed to predict the effect of missense changes on protein structure and function (PolyPhen-2) suggests that this variant is likely to be disruptive. In summary, the available evidence is currently insufficient to determine the role of this variant in disease. Therefore, it has been classified as a Variant of Uncertain Significance.

Fulgent Genetics
Classification: Uncertain significance for Cutaneous mastocytosis; Piebaldism; Germ cell tumor of testis; Acute myeloid leukemia; Gastrointestinal stromal tumor. Last evaluated: 2018-10-31. Review status: criteria provided, single submitter. Criteria: ACMG Guidelines, 2015. Collection method: clinical testing. Allele origin: unknown.

Baylor Genetics
Classification: Uncertain significance for Piebaldism. Last evaluated: 2018-05-30. Review status: criteria provided, single submitter. Criteria: ACMG Guidelines, 2015. Collection method: clinical testing. Allele origin: paternal. Affected: yes.
Comment: This variant was determined to be of uncertain significance according to ACMG Guidelines, 2015 [PMID:25741868].

NM_000222.3(KIT):c.2294A>G (p.Asp765Gly)

Gene: KIT (KIT proto-oncogene, receptor tyrosine kinase; plus strand). Cytogenetic location: 4q12.
Variant type: single nucleotide variant.
Coding change: c.2294A>G on transcript NM_000222.3 (MANE Select); coding-DNA position 2294, A replaced by G.
Protein change: p.Asp765Gly; replaces aspartic acid 765 with glycine.
Molecular consequence: missense variant.
Genome position (GRCh38, 1-based): chr4:54,731,931, A>G. VCF-style: chr4-54731931-A-G. GRCh37 (hg19) VCF-style: chr4-55598097-A-G.
Other names: c.2282A>G, p.Asp761Gly (NM_001093772.2, NM_001385292.1); c.2297A>G, p.Asp766Gly (NM_001385284.1); c.2291A>G, p.Asp764Gly (NM_001385285.1); c.2279A>G, p.Asp760Gly (NM_001385286.1); c.2285A>G, p.Asp762Gly (NM_001385288.1); c.2294A>G, p.Asp765Gly (NM_001385290.1); short protein forms D765G, D761G, D760G, D762G, D764G, D766G.
Identifiers: ClinVar variation 409730 (VCV000409730.23), dbSNP rs1060502545, ClinGen allele CA16611564.